The following is an entry in ClinVar:

ClinVar aggregate classification (germline): Uncertain significance. Review status: criteria provided, multiple submitters, no conflicts (2 of 4 stars). 2 submissions from 2 submitters: Uncertain significance (2). Last evaluated 2023-10-16.

Conditions:
Achondrogenesis, type IA (ACG1A). Identifiers: Orphanet 932, Orphanet 93299, MedGen C0265273, MONDO:0008701, OMIM 200600.

Allele frequency attached by ClinVar (database versions not stated): gnomAD exomes below 0.00001; ExAC 0.00001; gnomAD 0.00001; TOPMed 0.00002.
gnomAD v4.1: 6 of 1,613,930 alleles (0.00037%); highest among the groups gnomAD compares: East Asian, 0.0022%; no homozygotes.

Submissions (2):

Blueprint Genetics
Classification: Uncertain significance. Last evaluated: 2023-10-16. Review status: criteria provided, single submitter. Criteria: ACMG Guidelines, 2015. Collection method: clinical testing. Allele origin: germline.

Labcorp Genetics (formerly Invitae), Labcorp
Classification: Uncertain significance for Achondrogenesis, type IA. Last evaluated: 2022-02-02. Review status: criteria provided, single submitter. Criteria: Invitae Variant Classification Sherloc (09022015). Collection method: clinical testing. Allele origin: germline.
Comment: This sequence change replaces arginine, which is basic and polar, with glutamine, which is neutral and polar, at codon 853 of the TRIP11 protein (p.Arg853Gln). In summary, the available evidence is currently insufficient to determine the role of this variant in disease. Therefore, it has been classified as a Variant of Uncertain Significance. Algorithms developed to predict the effect of missense changes on protein structure and function are either unavailable or do not agree on the potential impact of this missense change (SIFT: "Not Available"; PolyPhen-2: "Possibly Damaging"; Align-GVGD: "Not Available"). This variant has not been reported in the literature in individuals affected with TRIP11-related conditions. This variant is present in population databases (rs749954388, gnomAD 0.0009%).

NM_004239.4(TRIP11):c.2558G>A (p.Arg853Gln)

Gene: TRIP11 (thyroid hormone receptor interactor 11; minus strand). Cytogenetic location: 14q32.12.
Variant type: single nucleotide variant.
Coding change: c.2558G>A on transcript NM_004239.4 (MANE Select); coding-DNA position 2558, G replaced by A.
Protein change: p.Arg853Gln; replaces arginine 853 with glutamine.
Molecular consequence: missense variant.
Genome position (GRCh38, 1-based): chr14:92,005,418, C>T on the plus strand (G>A on the coding strand, the complement: TRIP11 is on the minus strand). VCF-style: chr14-92005418-C-T. GRCh37 (hg19) VCF-style: chr14-92471762-C-T.
Other names: c.2555G>A, p.Arg852Gln (NM_001321851.1); short protein forms R853Q, R852Q.
Identifiers: ClinVar variation 1406264 (VCV001406264.10), dbSNP rs749954388, ClinGen allele CA7313759.